The following is an entry in ClinVar:

NM_018942.3(HMX1):c.809G>A (p.Ser270Asn)

Gene: HMX1 (H6 family homeobox 1; minus strand). Cytogenetic location: 4p16.1.
Variant type: single nucleotide variant.
Coding change: c.809G>A on transcript NM_018942.3 (MANE Select); coding-DNA position 809, G replaced by A.
Protein change: p.Ser270Asn; replaces serine 270 with asparagine.
Molecular consequence: missense variant. On other transcripts: intron variant (1).
Genome position (GRCh38, 1-based): chr4:8,867,931, C>T on the plus strand (G>A on the coding strand, the complement: HMX1 is on the minus strand). VCF-style: chr4-8867931-C-T. GRCh37 (hg19) VCF-style: chr4-8869657-C-T.
Other names: c.394+3290G>A (NM_001306142.2); short protein forms S270N.
Identifiers: ClinVar variation 1915537 (VCV001915537.4), dbSNP rs1435801625, ClinGen allele CA356277771.
Genomic context (GRCh38, chr4:8,867,931, plus strand): 5'-GGGCTTTCGTGGTAGAGCACCGGCACGCGGACCAGGCGCTGCGCTCCCGGCGGGGACAGG[C>T]TGGCCGCCTCCAGCTCGGCTGCCAGCTGCCGCTTCCACTTGTTGCGGCGGTTCTGGAACC-3'
Protein context (NP_061815.2, residues 260-280): RQLAAELEAA[Ser270Asn]LSPPGAQRLV

ClinVar aggregate classification (germline): Uncertain significance (1 of 4 stars; one submission).

Allele frequency attached by ClinVar (database versions not stated): gnomAD 0.00001.
gnomAD v4.1: 4 of 1,466,128 alleles (0.00027%); highest among the groups gnomAD compares: Middle Eastern, 0.022%; no homozygotes.

Submission:

Labcorp Genetics (formerly Invitae), Labcorp
Classification: Uncertain significance. Last evaluated: 2022-03-29. Review status: criteria provided, single submitter. Criteria: Invitae Variant Classification Sherloc (09022015). Collection method: clinical testing. Allele origin: germline.
Comment: This sequence change replaces serine, which is neutral and polar, with asparagine, which is neutral and polar, at codon 270 of the HMX1 protein (p.Ser270Asn). This variant is present in population databases (no rsID available, gnomAD 0.007%). This variant has not been reported in the literature in individuals affected with HMX1-related conditions. Algorithms developed to predict the effect of missense changes on protein structure and function output the following: SIFT: "Tolerated"; PolyPhen-2: "Benign"; Align-GVGD: "Class C0". The asparagine amino acid residue is found in multiple mammalian species, which suggests that this missense change does not adversely affect protein function. In summary, the available evidence is currently insufficient to determine the role of this variant in disease. Therefore, it has been classified as a Variant of Uncertain Significance.